The following is an entry in ClinVar:

ClinVar aggregate classification (germline): Likely benign (0 of 4 stars; one submission).

Conditions:
PKD1-related disorder. Also called: PKD1-related condition.

Allele frequency attached by ClinVar (database versions not stated): ExAC 0.00001.
gnomAD v4.1: 13 of 1,609,730 alleles (0.00081%); highest among the groups gnomAD compares: South Asian, 0.011%; no homozygotes.

Submission:

PreventionGenetics, part of Exact Sciences
Classification: Likely benign for PKD1-related condition. Last evaluated: 2021-04-07. Review status: no assertion criteria provided. Collection method: clinical testing. Allele origin: germline.
Comment: This variant is classified as likely benign based on ACMG/AMP sequence variant interpretation guidelines (Richards et al. 2015 PMID: 25741868, with internal and published modifications).

NM_001009944.3(PKD1):c.2802C>T (p.Gly934=)

Gene: PKD1 (polycystin 1, transient receptor potential channel interacting; minus strand). Cytogenetic location: 16p13.3.
Variant type: single nucleotide variant.
Coding change: c.2802C>T on transcript NM_001009944.3 (MANE Select); coding-DNA position 2802, C replaced by T.
Protein change: p.Gly934=; no amino-acid change (glycine 934 retained).
Molecular consequence: synonymous variant.
Genome position (GRCh38, 1-based): chr16:2,114,221, G>A on the plus strand (C>T on the coding strand, the complement: PKD1 is on the minus strand). VCF-style: chr16-2114221-G-A. GRCh37 (hg19) VCF-style: chr16-2164222-G-A.
Other names: c.2802C>T, p.Gly934= (NM_000296.4).
Identifiers: ClinVar variation 3030959 (VCV003030959.2), dbSNP rs770057593, ClinGen allele CA7833093.